The following is an entry in ClinVar:

ClinVar aggregate classification (germline): Pathogenic (0 of 4 stars; one submission).

Conditions:
Pyruvate dehydrogenase E1-alpha deficiency (PDHAD). Also called: ATAXIA, INTERMITTENT, WITH PYRUVATE DEHYDROGENASE DEFICIENCY; ATAXIA WITH LACTIC ACIDOSIS I; ATAXIA, INTERMITTENT, WITH ABNORMAL PYRUVATE METABOLISM; Ataxia, intermittent, with pyruvate dehydrogenase, or decarboxylase, deficiency. Identifiers: Orphanet 79243, MedGen C1839413, MONDO:0010717, OMIM 312170.

Submission:

PDHA1 Study Group, University Children’s Hospital, Paracelsus Medical University
Classification: Pathogenic for Pyruvate dehydrogenase E1-alpha deficiency. Last evaluated: 2024-10-15. Review status: no assertion criteria provided. Collection method: research. Allele origin: de novo. Affected: yes. Observed: 2 variant alleles.
Comment: The NM_000284.3:c.328delinsAGA (p.Pro110ArgfsTer71) change is a frameshift variant in PDHA1 gene. This variant is predicted to result in nonsense-mediated decay (NMD). In total, 2 individuals were diagnosed with PDHA1-related Pyruvate dehydrogenase complex (PDHc) deficiency (MIM #312170). Among them, 1 case had confirmed de novo occurrence. The variant has been reported in 1 published case (PMIDs: 23033978). Last literature search: July 12, 2024. This variant is absent or extremely rare in population-based cohorts in the Genome Aggregation Database (gnomAD). Individuals harboring this variant presented with clinical features compatible with PDHA1-related PDHc deficiency. In summary, this variant meets criteria to be classified as pathogenic (P) for PDHA1-related PDHc deficiency based on the ACMG/AMP criteria applied: PVS1, PS2, PM2 (last assessment October 15, 2024).

Literature cited by the submitters: PubMed 23033978; DOI 10.1093/brain/awaf430.

NM_000284.4(PDHA1):c.328delinsAGA (p.Pro110fs)

Gene: PDHA1 (pyruvate dehydrogenase E1 subunit alpha 1; plus strand). Cytogenetic location: Xp22.12.
Variant type: Indel.
Coding change: c.328delinsAGA on transcript NM_000284.4 (MANE Select); coding-DNA position 328, C replaced by AGA.
Protein change: p.Pro110fs; shifts the reading frame from proline 110.
Molecular consequence: frameshift variant.
Genome position (GRCh38, 1-based): chrX:19,351,317, C replaced by AGA. VCF-style: chrX-19351317-C-AGA. GRCh37 (hg19) VCF-style: chrX-19369435-C-AGA.
Other names: c.442delinsAGA, p.Pro148fs (NM_001173454.2); c.349delinsAGA, p.Pro117fs (NM_001173455.2); c.328delinsAGA, p.Pro110fs (NM_001173456.2); short protein forms P110fs, P117fs, P148fs.
Identifiers: ClinVar variation 4070496 (VCV004070496.1).
Genomic context (GRCh38, chrX:19,351,317, plus strand): 5'-TAGTTTCTCCTTCCTCTAACACAGGAAGCTTGCTGTGTGGGCCTGGAGGCCGGCATCAAC[C>AGA]CCACAGACCATCTCATCACAGCCTACCGGGCTCACGGCTTTACTTTCACCCGGGGCCTTT-3'